The following is an entry in ClinVar:

ClinVar aggregate classification (germline): Uncertain significance (1 of 4 stars; one submission).

Submission:

Labcorp Genetics (formerly Invitae), Labcorp
Classification: Uncertain significance. Last evaluated: 2024-03-11. Review status: criteria provided, single submitter. Criteria: Invitae Variant Classification Sherloc (09022015). Collection method: clinical testing. Allele origin: germline.
Comment: This sequence change replaces glycine, which is neutral and non-polar, with serine, which is neutral and polar, at codon 386 of the FGFRL1 protein (p.Gly386Ser). The frequency data for this variant in the population databases is considered unreliable, as metrics indicate poor data quality at this position in the gnomAD database. This variant has not been reported in the literature in individuals affected with FGFRL1-related conditions. An algorithm developed to predict the effect of missense changes on protein structure and function (PolyPhen-2) suggests that this variant is likely to be disruptive. In summary, the available evidence is currently insufficient to determine the role of this variant in disease. Therefore, it has been classified as a Variant of Uncertain Significance.

NM_001004356.3(FGFRL1):c.1156G>A (p.Gly386Ser)

Gene: FGFRL1 (fibroblast growth factor receptor like 1; plus strand). Cytogenetic location: 4p16.3.
Variant type: single nucleotide variant.
Coding change: c.1156G>A on transcript NM_001004356.3 (MANE Select); coding-DNA position 1156, G replaced by A.
Protein change: p.Gly386Ser; replaces glycine 386 with serine.
Molecular consequence: missense variant.
Genome position (GRCh38, 1-based): chr4:1,024,988, G>A. VCF-style: chr4-1024988-G-A. GRCh37 (hg19) VCF-style: chr4-1018776-G-A.
Other names: c.1156G>A, p.Gly386Ser (NM_001004358.1, NM_001370296.1, NM_021923.3); short protein forms G386S.
Identifiers: ClinVar variation 3651951 (VCV003651951.2).